The following is an entry in ClinVar:

ClinVar aggregate classification (germline): Uncertain significance (1 of 4 stars; one submission).

Submission:

GeneDx
Classification: Uncertain significance. Last evaluated: 2021-05-24. Review status: criteria provided, single submitter. Criteria: GeneDx Variant Classification Process June 2021. Collection method: clinical testing. Allele origin: germline. Affected: yes.
Comment: Not observed at significant frequency in large population cohorts (Lek et al., 2016); In silico analysis supports that this missense variant does not alter protein structure/function; Has not been previously published as pathogenic or benign to our knowledge

NM_130837.3(OPA1):c.417T>G (p.Ile139Met)

Gene: OPA1 (OPA1 mitochondrial dynamin like GTPase; plus strand). Cytogenetic location: 3q29.
Variant type: single nucleotide variant.
Coding change: c.417T>G on transcript NM_130837.3 (MANE Select); coding-DNA position 417, T replaced by G.
Protein change: p.Ile139Met; replaces isoleucine 139 with methionine.
Molecular consequence: missense variant.
Genome position (GRCh38, 1-based): chr3:193,615,739, T>G. VCF-style: chr3-193615739-T-G. GRCh37 (hg19) VCF-style: chr3-193333528-T-G.
Other names: c.45T>G, p.Ile15Met (NM_001354663.2, NM_001354664.2); c.417T>G, p.Ile139Met (NM_015560.3, NM_130831.3, NM_130832.3 and 4 more transcripts); short protein forms I139M, I15M.
Identifiers: ClinVar variation 1326585 (VCV001326585.2), dbSNP rs1446797783, ClinGen allele CA355787212.